The following is an entry in ClinVar:

ClinVar aggregate classification (germline): Benign/Likely benign. Review status: criteria provided, multiple submitters, no conflicts (2 of 4 stars). 3 submissions from 3 submitters: Benign (1); Likely benign (2). Last evaluated 2026-02-01.

Allele frequency attached by ClinVar (database versions not stated): ExAC 0.00061; ESP Exome Variant Server 0.00085; gnomAD 0.00100 and 0.00107; TOPMed 0.00129; 1000 Genomes Project 30x 0.00141; 1000 Genomes Project 0.00160.
gnomAD v4.1: 504 of 1,606,216 alleles (0.031%); highest among the groups gnomAD compares: African/African-American, 0.28%; 1 homozygote.

Submissions (3):

CeGaT Center for Human Genetics Tuebingen
Classification: Likely benign. Last evaluated: 2026-02-01. Review status: criteria provided, single submitter. Criteria: CeGaT Center For Human Genetics Tuebingen Variant Classification Criteria Version 2. Collection method: clinical testing. Allele origin: germline. Affected: yes. Observed: 1 variant allele.
Comment: PLXNA1: BP4, BP7

Labcorp Genetics (formerly Invitae), Labcorp
Classification: Benign. Last evaluated: 2026-01-12. Review status: criteria provided, single submitter. Criteria: Invitae Variant Classification Sherloc (09022015). Collection method: clinical testing. Allele origin: germline.

Blueprint Genetics
Classification: Likely benign. Last evaluated: 2024-11-06. Review status: criteria provided, single submitter. Criteria: ACMG Guidelines, 2015. Collection method: clinical testing. Allele origin: germline.

NM_032242.4(PLXNA1):c.1653C>T (p.Asp551=)

Gene: PLXNA1 (plexin A1; plus strand). Cytogenetic location: 3q21.3.
Variant type: single nucleotide variant.
Coding change: c.1653C>T on transcript NM_032242.4 (MANE Select); coding-DNA position 1653, C replaced by T.
Protein change: p.Asp551=; no amino-acid change (aspartic acid 551 retained).
Molecular consequence: synonymous variant.
Genome position (GRCh38, 1-based): chr3:127,004,918, C>T. VCF-style: chr3-127004918-C-T. GRCh37 (hg19) VCF-style: chr3-126723761-C-T.
Identifiers: ClinVar variation 730670 (VCV000730670.13), dbSNP rs147582354, ClinGen allele CA2593323.